The following is an entry in ClinVar:

ClinVar aggregate classification (germline): Likely pathogenic (1 of 4 stars; one submission).

Conditions:
CFTR-related disorder (CFTR-RD). Also called: CFTR-related disorders; CFTR-related condition. Identifiers: MedGen C5924204, MONDO:7770004.

Submission:

Natera, Inc.
Classification: Likely pathogenic for CFTR-related disorders. Last evaluated: 2024-10-29. Review status: criteria provided, single submitter. Criteria: Natera Variant Classification Schema (03/2026). Collection method: clinical testing. Allele origin: germline.
Comment: The c.1777_1779delinsTAG variant in CFTR is a deletion-insertion (delins) variant predicted to replace one or more nucleotides with a different sequence. This variant is expected to result in nonsense mediated decay, truncation, or a dysfunctional protein product. This variant is rare in the general population with a frequency below the threshold expected for the associated phenotype(s). Given the available evidence, this variant is classified as Likely Pathogenic.

NM_000492.4(CFTR):c.1777_1779delinsTAG (p.Lys593Ter)

Gene: CFTR (CF transmembrane conductance regulator; plus strand). Cytogenetic location: 7q31.2.
Variant type: Indel.
Coding change: c.1777_1779delinsTAG on transcript NM_000492.4 (MANE Select); coding-DNA positions 1777 to 1779, AAA replaced by TAG.
Protein change: p.Lys593Ter; replaces lysine 593 with a stop codon.
Molecular consequence: nonsense.
Genome position (GRCh38, 1-based): chr7:117,591,944-117,591,946, AAA replaced by TAG. VCF-style: chr7-117591944-AAA-TAG. GRCh37 (hg19) VCF-style: chr7-117231998-AAA-TAG.
Other names: c.1777_1779delAAAinsTAG, p.Lys593Ter (NM_000492.3); short protein forms K593*.
Identifiers: ClinVar variation 4818485 (VCV004818485.1).